The following is an entry in ClinVar:

ClinVar aggregate classification (germline): Uncertain significance (1 of 4 stars; one submission).

Conditions:
Hereditary cancer-predisposing syndrome. Also called: Tumor predisposition; Neoplastic Syndromes, Hereditary; Hereditary neoplastic syndrome; Hereditary Cancer Syndrome. Identifiers: Orphanet 140162, MedGen C0027672, MeSH D009386, MONDO:0015356.

Submission:

Ambry Genetics
Classification: Uncertain significance for Hereditary cancer-predisposing syndrome. Last evaluated: 2025-08-19. Review status: criteria provided, single submitter. Criteria: Ambry Variant Classification Scheme 2023. Collection method: clinical testing. Allele origin: germline.
Comment: The p.G578V variant (also known as c.1733G>T), located in coding exon 14 of the MRE11A gene, results from a G to T substitution at nucleotide position 1733. The glycine at codon 578 is replaced by valine, an amino acid with dissimilar properties. This amino acid position is conserved. In addition, the in silico prediction for this alteration is inconclusive. Based on the available evidence, the clinical significance of this variant remains unclear.

NM_005591.4(MRE11):c.1733G>T (p.Gly578Val)

Gene: MRE11 (MRE11 double strand break repair nuclease; minus strand). Cytogenetic location: 11q21.
Variant type: single nucleotide variant.
Coding change: c.1733G>T on transcript NM_005591.4 (MANE Select); coding-DNA position 1733, G replaced by T.
Protein change: p.Gly578Val; replaces glycine 578 with valine.
Molecular consequence: missense variant.
Genome position (GRCh38, 1-based): chr11:94,447,269, C>A on the plus strand (G>T on the coding strand, the complement: MRE11 is on the minus strand). VCF-style: chr11-94447269-C-A. GRCh37 (hg19) VCF-style: chr11-94180435-C-A.
Other names: c.1733G>T, p.Gly578Val (NM_001330347.2, NM_001440460.1, NM_001440461.1 and 10 more transcripts); c.1670G>T, p.Gly557Val (NM_001440467.1, NM_001440468.1, NM_001440469.1 and 2 more transcripts); c.1658G>T, p.Gly553Val (NM_001440471.1, NM_001440472.1); c.1652G>T, p.Gly551Val (NM_001440473.1, NM_001440477.1, NM_001440478.1); c.1595G>T, p.Gly532Val (NM_001440479.1); c.1388G>T, p.Gly463Val (NM_001440482.1, NM_001440483.1, NM_001440484.1); c.1265G>T, p.Gly422Val (NM_001440485.1, NM_001440486.1, NM_001440487.1); short protein forms G422V, G532V, G551V, G553V, G557V, G463V, G578V.
Identifiers: ClinVar variation 4110098 (VCV004110098.1).